The following is an entry in ClinVar:

ClinVar aggregate classification (germline): Uncertain significance (1 of 4 stars; one submission).

Conditions:
Childhood Onset VCP-related Neurodevelopmental Disorder.

Submission:

The Division of Genetics and Genomic Medicine, Washington University School of Medicine
Classification: Uncertain significance for Childhood Onset VCP-related Neurodevelopmental Disorder. Last evaluated: 2023-09-01. Review status: criteria provided, single submitter. Criteria: ACMG Guidelines, 2015. Collection method: clinical testing. Allele origin: de novo. Affected: yes. Observed: 1 variant allele.
Comment: It is not present in gnomAD. REVEL score is 0.74 (deleterious supporting). In vitro ATPase assays show this variant has decreased ATPase activity compared to wildtype (Mah-Som et al, 2023).

NM_007126.5(VCP):c.685C>T (p.Leu229Phe)

Gene: VCP (valosin containing protein; minus strand). Cytogenetic location: 9p13.3.
Variant type: single nucleotide variant.
Coding change: c.685C>T on transcript NM_007126.5 (MANE Select); coding-DNA position 685, C replaced by T.
Protein change: p.Leu229Phe; replaces leucine 229 with phenylalanine.
Molecular consequence: missense variant.
Genome position (GRCh38, 1-based): chr9:35,064,177, G>A on the plus strand (C>T on the coding strand, the complement: VCP is on the minus strand). VCF-style: chr9-35064177-G-A. GRCh37 (hg19) VCF-style: chr9-35064174-G-A.
Other names: NP_009057.1:p.Leu229Phe; c.550C>T, p.Leu184Phe (NM_001354927.2, NM_001354928.2); short protein forms L184F, L229F.
Identifiers: ClinVar variation 2582677 (VCV002582677.1), dbSNP rs2490363372, ClinGen allele CA373286628.